The following is an entry in ClinVar:

NM_002519.3(NPAT):c.3762C>A (p.Ser1254Arg)

Gene: NPAT (nuclear protein, coactivator of histone transcription; minus strand). Cytogenetic location: 11q22.3.
Variant type: single nucleotide variant.
Coding change: c.3762C>A on transcript NM_002519.3 (MANE Select); coding-DNA position 3762, C replaced by A.
Protein change: p.Ser1254Arg; replaces serine 1254 with arginine.
Molecular consequence: missense variant.
Genome position (GRCh38, 1-based): chr11:108,161,324, G>T on the plus strand (C>A on the coding strand, the complement: NPAT is on the minus strand). VCF-style: chr11-108161324-G-T. GRCh37 (hg19) VCF-style: chr11-108032051-G-T.
Other names: c.3783C>A, p.Ser1261Arg (NM_001321307.1); short protein forms S1254R, S1261R.
Identifiers: ClinVar variation 3407203 (VCV003407203.1).

ClinVar aggregate classification (germline): Uncertain significance (1 of 4 stars; one submission).

Submission:

Ambry Genetics
Classification: Uncertain significance. Last evaluated: 2024-09-01. Review status: criteria provided, single submitter. Criteria: Ambry Variant Classification Scheme 2023. Collection method: clinical testing. Allele origin: germline.
Comment: The p.S1254R variant (also known as c.3762C>A), located in coding exon 17 of the NPAT gene, results from a C to A substitution at nucleotide position 3762. The serine at codon 1254 is replaced by arginine, an amino acid with dissimilar properties. This amino acid position is conserved. In addition, this alteration is predicted to be tolerated by in silico analysis. Based on the available evidence, the clinical significance of this variant remains unclear.